The following is an entry in ClinVar:

NM_001261826.3(AP3D1):c.3419G>A (p.Arg1140Gln)

Gene: AP3D1 (adaptor related protein complex 3 subunit delta 1; minus strand). Cytogenetic location: 19p13.3.
Variant type: single nucleotide variant.
Coding change: c.3419G>A on transcript NM_001261826.3 (MANE Select); coding-DNA position 3419, G replaced by A.
Protein change: p.Arg1140Gln; replaces arginine 1140 with glutamine.
Molecular consequence: missense variant.
Genome position (GRCh38, 1-based): chr19:2,109,139, C>T on the plus strand (G>A on the coding strand, the complement: AP3D1 is on the minus strand). VCF-style: chr19-2109139-C-T. GRCh37 (hg19) VCF-style: chr19-2109138-C-T.
Other names: c.3383G>A, p.Arg1128Gln (NM_001374799.1); c.3233G>A, p.Arg1078Gln (NM_003938.8); short protein forms R1140Q, R1078Q, R1128Q.
Identifiers: ClinVar variation 2981017 (VCV002981017.3), dbSNP rs746654797, ClinGen allele CA9058395.

ClinVar aggregate classification (germline): Uncertain significance (1 of 4 stars; one submission).

Allele frequency attached by ClinVar (database versions not stated): ExAC 0.00002; TOPMed 0.00002; gnomAD 0.00005.
gnomAD v4.1: 25 of 1,608,748 alleles (0.0016%); highest among the groups gnomAD compares: African/African-American, 0.012%; no homozygotes.

Submission:

Labcorp Genetics (formerly Invitae), Labcorp
Classification: Uncertain significance. Last evaluated: 2022-11-15. Review status: criteria provided, single submitter. Criteria: Invitae Variant Classification Sherloc (09022015). Collection method: clinical testing. Allele origin: germline.
Comment: In summary, the available evidence is currently insufficient to determine the role of this variant in disease. Therefore, it has been classified as a Variant of Uncertain Significance. Algorithms developed to predict the effect of sequence changes on RNA splicing suggest that this variant may disrupt the consensus splice site. Algorithms developed to predict the effect of missense changes on protein structure and function output the following: SIFT: "Tolerated"; PolyPhen-2: "Benign"; Align-GVGD: "Class C0". The glutamine amino acid residue is found in multiple mammalian species, which suggests that this missense change does not adversely affect protein function. This variant has not been reported in the literature in individuals affected with AP3D1-related conditions. This variant is present in population databases (rs746654797, gnomAD 0.01%). This sequence change replaces arginine, which is basic and polar, with glutamine, which is neutral and polar, at codon 1140 of the AP3D1 protein (p.Arg1140Gln).